The following is an entry in ClinVar:

ClinVar aggregate classification (germline): Uncertain significance. Review status: criteria provided, multiple submitters, no conflicts (2 of 4 stars). 2 submissions from 2 submitters: Uncertain significance (2). Last evaluated 2025-03-26.

Conditions:
Inborn genetic diseases. Identifiers: MedGen C0950123, MeSH D030342.

Allele frequency attached by ClinVar (database versions not stated): gnomAD 0.00001; gnomAD exomes 0.00001; TOPMed 0.00001.
gnomAD v4.1: 10 of 1,613,572 alleles (0.00062%); highest among the groups gnomAD compares: Admixed American, 0.0017%; no homozygotes.

Submissions (2):

Ambry Genetics
Classification: Uncertain significance for Inborn genetic diseases. Last evaluated: 2025-03-26. Review status: criteria provided, single submitter. Criteria: Ambry Variant Classification Scheme 2023. Collection method: clinical testing. Allele origin: germline.

GeneDx
Classification: Uncertain significance. Last evaluated: 2023-04-05. Review status: criteria provided, single submitter. Criteria: GeneDx Variant Classification Process June 2021. Collection method: clinical testing. Allele origin: germline. Affected: yes.
Comment: Not observed at significant frequency in large population cohorts (gnomAD); In silico analysis supports that this missense variant has a deleterious effect on protein structure/function; Has not been previously published as pathogenic or benign to our knowledge

NM_006618.5(KDM5B):c.1856G>A (p.Arg619His)

Gene: KDM5B (lysine demethylase 5B; minus strand). Cytogenetic location: 1q32.1.
Variant type: single nucleotide variant.
Coding change: c.1856G>A on transcript NM_006618.5 (MANE Select); coding-DNA position 1856, G replaced by A.
Protein change: p.Arg619His; replaces arginine 619 with histidine.
Molecular consequence: missense variant.
Genome position (GRCh38, 1-based): chr1:202,749,105, C>T on the plus strand (G>A on the coding strand, the complement: KDM5B is on the minus strand). VCF-style: chr1-202749105-C-T. GRCh37 (hg19) VCF-style: chr1-202718233-C-T.
Other names: c.1964G>A, p.Arg655His (NM_001314042.2); c.1721G>A, p.Arg574His (NM_001347591.2); c.1841G>A, p.Arg614His (NM_001399817.1); short protein forms R574H, R614H, R619H, R655H.
Identifiers: ClinVar variation 2662470 (VCV002662470.2), dbSNP rs1167029210, ClinGen allele CA344267157.